The following is an entry in ClinVar:

NM_198252.3(GSN):c.1158C>T (p.His386=)

Gene: GSN (gelsolin; plus strand). Cytogenetic location: 9q33.2.
Variant type: single nucleotide variant.
Coding change: c.1158C>T on transcript NM_198252.3 (MANE Select); coding-DNA position 1158, C replaced by T.
Protein change: p.His386=; no amino-acid change (histidine 386 retained).
Molecular consequence: synonymous variant.
Genome position (GRCh38, 1-based): chr9:121,318,847, C>T. VCF-style: chr9-121318847-C-T. GRCh37 (hg19) VCF-style: chr9-124081125-C-T.
Other names: p.His437=; c.1311C>T, p.His437= (NM_000177.5); c.1158C>T, p.His386= (NM_001127662.2, NM_001127664.2, NM_001127665.2 and 10 more transcripts); c.1266C>T, p.His422= (NM_001127663.2); c.1191C>T, p.His397= (NM_001127666.2, NM_001127667.2, NM_001353063.2 and 13 more transcripts); c.1209C>T, p.His403= (NM_001258029.2); c.1182C>T, p.His394= (NM_001258030.2); c.1230C>T, p.His410= (NM_001353076.2); and 1 more.
Identifiers: ClinVar variation 1591403 (VCV001591403.9), dbSNP rs201365952, ClinGen allele CA199412044.
Genomic context (GRCh38, chr9:121,318,847, plus strand): 5'-GGAGCGGGTGCCCTTCGACGCCGCCACCCTGCACACCTCCACTGCCATGGCCGCCCAGCA[C>T]GGCATGGATGACGATGGCACAGGCCAGAAACAGGTACGTTTAGGGCGTGGGGTGGGTGTG-3'
Protein context (NP_937895.1, residues 376-396): LHTSTAMAAQ[His386=]GMDDDGTGQK

ClinVar aggregate classification (germline): Likely benign. Review status: criteria provided, multiple submitters, no conflicts (2 of 4 stars). 2 submissions from 2 submitters: Likely benign (2). Last evaluated 2025-11-09.

Allele frequency attached by ClinVar (database versions not stated): TOPMed 0.00001; gnomAD exomes 0.00002; gnomAD 0.00003 and 0.00004.
gnomAD v4.1: 34 of 1,613,960 alleles (0.0021%); highest among the groups gnomAD compares: East Asian, 0.0067%; no homozygotes.

Submissions (2):

Labcorp Genetics (formerly Invitae), Labcorp
Classification: Likely benign. Last evaluated: 2025-11-09. Review status: criteria provided, single submitter. Criteria: Invitae Variant Classification Sherloc (09022015). Collection method: clinical testing. Allele origin: germline.

Mayo Clinic Laboratories, Mayo Clinic
Classification: Likely benign. Last evaluated: 2024-11-11. Review status: criteria provided, single submitter. Criteria: ACMG Guidelines, 2015. Collection method: clinical testing. Allele origin: germline. Observed: 2 variant alleles.
Comment: BP4, BP7